The following is an entry in ClinVar:

ClinVar aggregate classification (germline): Benign/Likely benign. Review status: criteria provided, multiple submitters, no conflicts (2 of 4 stars). 4 submissions from 4 submitters: Benign (1); Likely benign (3). Last evaluated 2025-10-23.

Conditions:
KMT2A-related disorder. Also called: KMT2A-related condition.

Allele frequency attached by ClinVar (database versions not stated): gnomAD 0.00019; TOPMed 0.00019; ExAC 0.00003; gnomAD exomes 0.00005 and 0.00008.
gnomAD v4.1: 108 of 1,614,082 alleles (0.0067%); highest among the groups gnomAD compares: Admixed American, 0.072%; no homozygotes.

Submissions (4):

Labcorp Genetics (formerly Invitae), Labcorp
Classification: Likely benign. Last evaluated: 2025-10-23. Review status: criteria provided, single submitter. Criteria: Invitae Variant Classification Sherloc (09022015). Collection method: clinical testing. Allele origin: germline.

PreventionGenetics, part of Exact Sciences
Classification: Likely benign for KMT2A-related condition. Last evaluated: 2025-05-29. Review status: criteria provided, single submitter. Criteria: ACMG Guidelines, 2015. Collection method: clinical testing. Allele origin: germline.
Comment: This variant is classified as likely benign based on ACMG/AMP sequence variant interpretation guidelines (Richards et al. 2015 PMID: 25741868, with internal and published modifications).

Blueprint Genetics
Classification: Likely benign. Last evaluated: 2022-10-26. Review status: criteria provided, single submitter. Criteria: ACMG Guidelines, 2015. Collection method: clinical testing. Allele origin: germline.

GeneDx
Classification: Benign. Last evaluated: 2019-04-18. Review status: criteria provided, single submitter. Criteria: GeneDx Variant Classification Process June 2021. Collection method: clinical testing. Allele origin: germline. Affected: yes.

NM_001197104.2(KMT2A):c.10092C>T (p.His3364=)

Gene: KMT2A (lysine methyltransferase 2A; plus strand). Cytogenetic location: 11q23.3.
Variant type: single nucleotide variant.
Coding change: c.10092C>T on transcript NM_001197104.2 (MANE Select); coding-DNA position 10092, C replaced by T.
Protein change: p.His3364=; no amino-acid change (histidine 3364 retained).
Molecular consequence: synonymous variant.
Genome position (GRCh38, 1-based): chr11:118,505,984, C>T. VCF-style: chr11-118505984-C-T. GRCh37 (hg19) VCF-style: chr11-118376699-C-T.
Other names: c.10083C>T, p.His3361= (NM_005933.4).
Identifiers: ClinVar variation 790459 (VCV000790459.11), dbSNP rs782320299, ClinGen allele CA6304681.